The following is an entry in ClinVar:

NM_000292.3(PHKA2):c.3629G>A (p.Gly1210Glu)

Genes: PHKA2 (phosphorylase kinase regulatory subunit alpha 2; minus strand), PHKA2-AS1 (PHKA2 antisense RNA 1; plus strand). Cytogenetic location: Xp22.13.
Variant type: single nucleotide variant.
Coding change: c.3629G>A on transcript NM_000292.3 (MANE Select); coding-DNA position 3629, G replaced by A.
Protein change: p.Gly1210Glu; replaces glycine 1210 with glutamic acid.
Molecular consequence: missense variant.
Genome position (GRCh38, 1-based): chrX:18,893,564, C>T on the plus strand (G>A on the coding strand, the complement: PHKA2 is on the minus strand). VCF-style: chrX-18893564-C-T. GRCh37 (hg19) VCF-style: chrX-18911682-C-T.
Other names: short protein forms G1210E.
Identifiers: ClinVar variation 664908 (VCV000664908.11), dbSNP rs1601685358, ClinGen allele CA412374318.

ClinVar aggregate classification (germline): Pathogenic/Likely pathogenic. Review status: criteria provided, multiple submitters, no conflicts (2 of 4 stars). 2 submissions from 2 submitters: Pathogenic (1); Likely pathogenic (1). Last evaluated 2024-09-21.

Conditions:
Glycogen storage disease IXa1. Also called: GLYCOGEN STORAGE DISEASE VIII; GSD VIII; LIVER GLYCOGENOSIS, X-LINKED, TYPE I; Glycogen storage disease 8. Identifiers: Orphanet 264580, MedGen C3694531, MONDO:0010598, OMIM 306000.

Allele frequency attached by ClinVar (database versions not stated): gnomAD exomes below 0.00001.
gnomAD v4.1: 1 of 1,211,076 alleles (0.000083%); highest among the groups gnomAD compares: Non-Finnish European, 0.00011%; no homozygotes.

Submissions (2):

Victorian Clinical Genetics Services, Murdoch Childrens Research Institute
Classification: Pathogenic for Glycogen storage disease IXa1. Last evaluated: 2024-09-21. Review status: criteria provided, single submitter. Criteria: ACMG Guidelines, 2015. Collection method: clinical testing. Allele origin: germline. Inheritance: X-linked recessive inheritance. Affected: yes.
Comment: Based on the classification scheme VCGS_Germline_v1.3.4, this variant is classified as Pathogenic. Likely pathogenic. 0102 - Loss of function is a known mechanism of disease in this gene and is associated with Glycogen storage disease, type IXa1 and type IXa2 (MIM#306000). (I) 0109 - This gene is associated with X-linked recessive disease. (I) 0115 - Variants in this gene are known to have variable expressivity (PMID: 28116244). (I) 0200 - Variant is predicted to result in a missense amino acid change from glycine to glutamic acid. (I) 0251 - This variant is heterozygous. (I) 0301 - Variant is absent from gnomAD (both v2 and v3). (SP) 0501 - Missense variant consistently predicted to be damaging by multiple in silico tools or highly conserved with a major amino acid change. (SP) 0604 - Variant is not located in an established domain, motif, hotspot or informative constraint region. (I) 0710 - Another missense variant comparable to the one identified in this case has inconclusive previous evidence for pathogenicity. (I) 0808 - Previous reports of pathogenicity for this variant are conflicting. This variant has previously been reported in two individuals with GSD type IXa1 but has also been classified as likely pathogenic and as a VUS (PMID: 11286390, PMID: 31508908, ClinVar). (I) 0901 - This variant has strong evidence for segregation with disease. (SP) 1002 - This variant has moderate functional evidence supporting abnormal protein function. Affected individual’s erythrocytes have reduced PHK enzyme activity (PMID: 11286390). (SP) 1101 - Very strong and specific phenotype match for this individual. (SP) 1208 - Inheritance information for this variant is not currently available in this individual. (I) Legend: (SP) - Supporting pathogenic, (I) - Information, (SB) - Supporting benign

Labcorp Genetics (formerly Invitae), Labcorp
Classification: Likely pathogenic for Glycogen storage disease IXa1. Last evaluated: 2022-11-08. Review status: criteria provided, single submitter. Criteria: Invitae Variant Classification Sherloc (09022015). Collection method: clinical testing. Allele origin: germline.
Comment: In summary, the currently available evidence indicates that the variant is pathogenic, but additional data are needed to prove that conclusively. Therefore, this variant has been classified as Likely Pathogenic. This variant disrupts the p.Gly1210 amino acid residue in PHKA2. Other variant(s) that disrupt this residue have been observed in individuals with PHKA2-related conditions (PMID: 32244026), which suggests that this may be a clinically significant amino acid residue. Advanced modeling of protein sequence and biophysical properties (such as structural, functional, and spatial information, amino acid conservation, physicochemical variation, residue mobility, and thermodynamic stability) has been performed at Invitae for this missense variant, however the output from this modeling did not meet the statistical confidence thresholds required to predict the impact of this variant on PHKA2 protein function. ClinVar contains an entry for this variant (Variation ID: 664908). This missense change has been observed in individuals with glycogen storage disease type IXa (PMID: 11286390, 31508908; Invitae). This variant is not present in population databases (gnomAD no frequency). This sequence change replaces glycine, which is neutral and non-polar, with glutamic acid, which is acidic and polar, at codon 1210 of the PHKA2 protein (p.Gly1210Glu).

Literature cited by the submitters: PubMed 11286390 (cited by Victorian Clinical Genetics Services, Murdoch Childrens Research Institute and Labcorp Genetics (formerly Invitae), Labcorp); PubMed 28116244 (cited by Victorian Clinical Genetics Services, Murdoch Childrens Research Institute); PubMed 31508908 (cited by Victorian Clinical Genetics Services, Murdoch Childrens Research Institute and Labcorp Genetics (formerly Invitae), Labcorp); PubMed 32244026 (cited by Victorian Clinical Genetics Services, Murdoch Childrens Research Institute and Labcorp Genetics (formerly Invitae), Labcorp).